The following is an entry in ClinVar:

ClinVar aggregate classification (germline): Likely benign. Review status: criteria provided, single submitter (1 of 4 stars). 2 submissions from 2 submitters: Likely benign (1). 1 of the submissions does not count toward it. Last evaluated 2025-07-30.

Conditions:
Kabuki syndrome. Also called: NIIKAWA-KUROKI SYNDROME; Kabuki make-up syndrome. Identifiers: Orphanet 2322, MedGen C0796004, MONDO:0016512.
KMT2D-related disorder. Also called: KMT2D-Related Disorders.

Allele frequency attached by ClinVar (database versions not stated): gnomAD 0.00001; TOPMed 0.00001.
gnomAD v4.1: 1 of 1,613,720 alleles (0.000062%); highest among the groups gnomAD compares: Admixed American, 0.0017%; no homozygotes.

Submissions (2):

Labcorp Genetics (formerly Invitae), Labcorp
Classification: Likely benign for Kabuki syndrome. Last evaluated: 2025-07-30. Review status: criteria provided, single submitter. Criteria: Invitae Variant Classification Sherloc (09022015). Collection method: clinical testing. Allele origin: germline.

PreventionGenetics, part of Exact Sciences
Classification: Likely benign for KMT2D-related condition. Last evaluated: 2023-02-20. Review status: no assertion criteria provided. Collection method: clinical testing. Allele origin: germline. Not counted in ClinVar's aggregate classification.
Comment: This variant is classified as likely benign based on ACMG/AMP sequence variant interpretation guidelines (Richards et al. 2015 PMID: 25741868, with internal and published modifications).

NM_003482.4(KMT2D):c.6105C>T (p.Tyr2035=)

Gene: KMT2D (lysine methyltransferase 2D; minus strand). Cytogenetic location: 12q13.12.
Variant type: single nucleotide variant.
Coding change: c.6105C>T on transcript NM_003482.4 (MANE Select); coding-DNA position 6105, C replaced by T.
Protein change: p.Tyr2035=; no amino-acid change (tyrosine 2035 retained).
Molecular consequence: synonymous variant.
Genome position (GRCh38, 1-based): chr12:49,042,093, G>A on the plus strand (C>T on the coding strand, the complement: KMT2D is on the minus strand). VCF-style: chr12-49042093-G-A. GRCh37 (hg19) VCF-style: chr12-49435876-G-A.
Identifiers: ClinVar variation 2716105 (VCV002716105.5), dbSNP rs962665678, ClinGen allele CA236612482.